The following is an entry in ClinVar:

NM_001376.5(DYNC1H1):c.1442T>A (p.Val481Asp)

Gene: DYNC1H1 (dynein cytoplasmic 1 heavy chain 1; plus strand). Cytogenetic location: 14q32.31.
Variant type: single nucleotide variant.
Coding change: c.1442T>A on transcript NM_001376.5 (MANE Select); coding-DNA position 1442, T replaced by A.
Protein change: p.Val481Asp; replaces valine 481 with aspartic acid.
Molecular consequence: missense variant.
Genome position (GRCh38, 1-based): chr14:101,983,590, T>A. VCF-style: chr14-101983590-T-A. GRCh37 (hg19) VCF-style: chr14-102449927-T-A.
Other names: short protein forms V481D.
Identifiers: ClinVar variation 539789 (VCV000539789.11), dbSNP rs776102509, ClinGen allele CA7351682.

ClinVar aggregate classification (germline): Uncertain significance. Review status: criteria provided, multiple submitters, no conflicts (2 of 4 stars). 2 submissions from 2 submitters: Uncertain significance (2). Last evaluated 2023-05-20.

Conditions:
Charcot-Marie-Tooth disease axonal type 2O. Also called: CHARCOT-MARIE-TOOTH NEUROPATHY, AXONAL, TYPE 2O; CHARCOT-MARIE-TOOTH DISEASE, AXONAL, AUTOSOMAL DOMINANT, TYPE 2O; Charcot-Marie-Tooth Neuropathy Type 2O; Charcot-Marie-Tooth disease, axonal, type 20. Identifiers: Orphanet 284232, MedGen C3280220, MONDO:0013644, OMIM 614228.
DYNC1H1-related disorder. Also called: DYNC1H1-related condition; DYNC1H1-related disorders. Identifiers: MedGen CN381529.

Allele frequency attached by ClinVar (database versions not stated): gnomAD exomes below 0.00001; ExAC 0.00001; TOPMed 0.00001.
gnomAD v4.1: 6 of 1,614,124 alleles (0.00037%); highest among the groups gnomAD compares: Non-Finnish European, 0.00051%; no homozygotes.

Submissions (2):

PreventionGenetics, part of Exact Sciences
Classification: Uncertain significance for DYNC1H1-related condition. Last evaluated: 2023-05-20. Review status: criteria provided, single submitter. Criteria: ACMG Guidelines, 2015. Collection method: clinical testing. Allele origin: germline.
Comment: The DYNC1H1 c.1442T>A variant is predicted to result in the amino acid substitution p.Val481Asp. To our knowledge, this variant has not been reported in the literature. This variant is reported in 0.00088% of alleles in individuals of European (Non-Finnish) descent in gnomAD. At this time, the clinical significance of this variant is uncertain due to the absence of conclusive functional and genetic evidence.

Labcorp Genetics (formerly Invitae), Labcorp
Classification: Uncertain significance for Charcot-Marie-Tooth disease axonal type 2O. Last evaluated: 2019-05-30. Review status: criteria provided, single submitter. Criteria: Invitae Variant Classification Sherloc (09022015). Collection method: clinical testing. Allele origin: germline.
Comment: Algorithms developed to predict the effect of missense changes on protein structure and function do not agree on the potential impact of this missense change (SIFT: "Deleterious"; PolyPhen-2: "Possibly Damaging"; Align-GVGD: "Class C0"). This variant has not been reported in the literature in individuals with DYNC1H1-related disease. This variant is present in population databases (rs776102509, ExAC 0.002%). This sequence change replaces valine with aspartic acid at codon 481 of the DYNC1H1 protein (p.Val481Asp). The valine residue is moderately conserved and there is a large physicochemical difference between valine and aspartic acid. In summary, the available evidence is currently insufficient to determine the role of this variant in disease. Therefore, it has been classified as a Variant of Uncertain Significance.